The following is an entry in ClinVar:

ClinVar aggregate classification (germline): Pathogenic/Likely pathogenic. Review status: criteria provided, multiple submitters, no conflicts (2 of 4 stars). 2 submissions from 2 submitters: Pathogenic (1); Likely pathogenic (1). Last evaluated 2023-10-05.

Conditions:
Bloom syndrome (BLM). Also called: Bloom-Torre-Machacek syndrome. Identifiers: Orphanet 125, MedGen C0005859, MONDO:0008876, OMIM 210900.

Submissions (2):

Labcorp Genetics (formerly Invitae), Labcorp
Classification: Pathogenic for Bloom syndrome. Last evaluated: 2023-10-05. Review status: criteria provided, single submitter. Criteria: Invitae Variant Classification Sherloc (09022015). Collection method: clinical testing. Allele origin: germline.
Comment: This sequence change creates a premature translational stop signal (p.Trp1288*) in the BLM gene. It is expected to result in an absent or disrupted protein product. Loss-of-function variants in BLM are known to be pathogenic (PMID: 17407155). This variant is not present in population databases (gnomAD no frequency). This variant has not been reported in the literature in individuals affected with BLM-related conditions. ClinVar contains an entry for this variant (Variation ID: 1456846). For these reasons, this variant has been classified as Pathogenic.

Juno Genomics, Hangzhou Juno Genomics, Inc
Classification: Likely pathogenic for Bloom syndrome. Review status: criteria provided, single submitter. Criteria: ACMG Guidelines, 2015. Collection method: clinical testing. Allele origin: germline.
Comment: Null variant in a gene where loss of function (LOF) is a known mechanism of disease.;Absent from controls (or at extremely low frequency if recessive) in Genome Aggregation Database.

Literature cited by the submitters: PubMed 17407155 (cited by Labcorp Genetics (formerly Invitae), Labcorp).

NM_000057.4(BLM):c.3864G>A (p.Trp1288Ter)

Gene: BLM (BLM RecQ like helicase; plus strand). Cytogenetic location: 15q26.1.
Variant type: single nucleotide variant.
Coding change: c.3864G>A on transcript NM_000057.4 (MANE Select); coding-DNA position 3864, G replaced by A.
Protein change: p.Trp1288Ter; replaces tryptophan 1288 with a stop codon.
Molecular consequence: nonsense.
Genome position (GRCh38, 1-based): chr15:90,809,249, G>A. VCF-style: chr15-90809249-G-A. GRCh37 (hg19) VCF-style: chr15-91352479-G-A.
Other names: c.3864G>A, p.Trp1288Ter (NM_001287246.2); c.3471G>A, p.Trp1157Ter (NM_001287247.2); c.2739G>A, p.Trp913Ter (NM_001287248.2); short protein forms W1288*, W913*, W1157*.
Identifiers: ClinVar variation 1456846 (VCV001456846.8), dbSNP rs2151198391, ClinGen allele CA393849831.